The following is an entry in ClinVar:

NM_000376.3(VDR):c.161G>A (p.Arg54Gln)

Gene: VDR (vitamin D receptor; minus strand). Cytogenetic location: 12q13.11.
Variant type: single nucleotide variant.
Coding change: c.161G>A on transcript NM_000376.3 (MANE Select); coding-DNA position 161, G replaced by A.
Protein change: p.Arg54Gln; replaces arginine 54 with glutamine.
Molecular consequence: missense variant.
Genome position (GRCh38, 1-based): chr12:47,865,163, C>T on the plus strand (G>A on the coding strand, the complement: VDR is on the minus strand). VCF-style: chr12-47865163-C-T. GRCh37 (hg19) VCF-style: chr12-48258946-C-T.
Other names: c.161G>A, p.Arg54Gln (NM_001017535.2, NM_001364085.2, NM_001374661.1 and 1 more transcripts); c.311G>A, p.Arg104Gln (NM_001017536.2); c.161G>A (NM_001017535.1); short protein forms R54Q, R104Q.
Identifiers: ClinVar variation 1370955 (VCV001370955.8), dbSNP rs148368146, ClinGen allele CA6534013.

ClinVar aggregate classification (germline): Uncertain significance. Review status: criteria provided, multiple submitters, no conflicts (2 of 4 stars). 4 submissions from 4 submitters: Uncertain significance (4). Last evaluated 2024-01-30.

Conditions:
Vitamin D-dependent rickets type II with alopecia (VDDR2A). Also called: GENERALIZED RESISTANCE TO 1,25-DIHYDROXYVITAMIN D; HYPOCALCEMIC VITAMIN D-RESISTANT RICKETS; PDDR IIA; PSEUDOVITAMIN D-DEFICIENCY, TYPE IIA; RICKETS, HEREDITARY VITAMIN D-RESISTANT; RICKETS-ALOPECIA SYNDROME. Identifiers: Orphanet 93160, MedGen C0342646, MONDO:0010186, OMIM 277440.
Inborn genetic diseases. Identifiers: MedGen C0950123, MeSH D030342.

Allele frequency attached by ClinVar (database versions not stated): ExAC 0.00006; gnomAD exomes 0.00006; ESP Exome Variant Server 0.00031; gnomAD 0.00032 and 0.00036.
gnomAD v4.1: 127 of 1,612,626 alleles (0.0079%); highest among the groups gnomAD compares: African/African-American, 0.1%; no homozygotes.

Submissions (4):

Fulgent Genetics
Classification: Uncertain significance for Vitamin D-dependent rickets type II with alopecia. Last evaluated: 2024-01-30. Review status: criteria provided, single submitter. Criteria: ACMG Guidelines, 2015. Collection method: clinical testing. Allele origin: germline.

Labcorp Genetics (formerly Invitae), Labcorp
Classification: Uncertain significance. Last evaluated: 2022-03-24. Review status: criteria provided, single submitter. Criteria: Invitae Variant Classification Sherloc (09022015). Collection method: clinical testing. Allele origin: germline.
Comment: This sequence change replaces arginine, which is basic and polar, with glutamine, which is neutral and polar, at codon 54 of the VDR protein (p.Arg54Gln). This variant is present in population databases (rs148368146, gnomAD 0.1%). This variant has not been reported in the literature in individuals affected with VDR-related conditions. Algorithms developed to predict the effect of missense changes on protein structure and function are either unavailable or do not agree on the potential impact of this missense change (SIFT: "Deleterious"; PolyPhen-2: "Probably Damaging"; Align-GVGD: "Class C0"). In summary, the available evidence is currently insufficient to determine the role of this variant in disease. Therefore, it has been classified as a Variant of Uncertain Significance.

Ambry Genetics
Classification: Uncertain significance for Inborn genetic diseases. Last evaluated: 2021-10-01. Review status: criteria provided, single submitter. Criteria: Ambry Variant Classification Scheme 2023. Collection method: clinical testing. Allele origin: germline.

Blueprint Genetics
Classification: Uncertain significance. Last evaluated: 2021-07-22. Review status: criteria provided, single submitter. Criteria: ACMG Guidelines, 2015. Collection method: clinical testing. Allele origin: germline.